The following is an entry in ClinVar:

ClinVar aggregate classification (germline): Uncertain significance (1 of 4 stars; one submission).

Allele frequency attached by ClinVar (database versions not stated): gnomAD exomes below 0.00001; TOPMed below 0.00001.
gnomAD v4.1: 1 of 1,614,176 alleles (0.000062%); highest among the groups gnomAD compares: South Asian, 0.0011%; no homozygotes.

Submission:

Labcorp Genetics (formerly Invitae), Labcorp
Classification: Uncertain significance. Last evaluated: 2025-10-31. Review status: criteria provided, single submitter. Criteria: Invitae Variant Classification Sherloc (09022015). Collection method: clinical testing. Allele origin: germline.
Comment: This sequence change replaces isoleucine, which is neutral and non-polar, with threonine, which is neutral and polar, at codon 244 of the CTNNA1 protein (p.Ile244Thr). This variant is not present in population databases (gnomAD no frequency). This variant has not been reported in the literature in individuals affected with CTNNA1-related conditions. ClinVar contains an entry for this variant (Variation ID: 854818). Invitae Evidence Modeling of protein sequence and biophysical properties (such as structural, functional, and spatial information, amino acid conservation, physicochemical variation, residue mobility, and thermodynamic stability) indicates that this missense variant is not expected to disrupt CTNNA1 protein function with a negative predictive value of 80%. In summary, the available evidence is currently insufficient to determine the role of this variant in disease. Therefore, it has been classified as a Variant of Uncertain Significance.

NM_001903.5(CTNNA1):c.731T>C (p.Ile244Thr)

Gene: CTNNA1 (catenin alpha 1; plus strand). Cytogenetic location: 5q31.2.
Variant type: single nucleotide variant.
Coding change: c.731T>C on transcript NM_001903.5 (MANE Select); coding-DNA position 731, T replaced by C.
Protein change: p.Ile244Thr; replaces isoleucine 244 with threonine.
Molecular consequence: missense variant.
Genome position (GRCh38, 1-based): chr5:138,824,672, T>C. VCF-style: chr5-138824672-T-C. GRCh37 (hg19) VCF-style: chr5-138160361-T-C.
Other names: c.731T>C, p.Ile244Thr (NM_001290307.3, NM_001323982.2, NM_001323983.1 and 3 more transcripts); c.422T>C, p.Ile141Thr (NM_001290309.3); c.362T>C, p.Ile121Thr (NM_001290310.3); short protein forms I244T, I121T, I141T.
Identifiers: ClinVar variation 854818 (VCV000854818.9), dbSNP rs1271760767, ClinGen allele CA361129879.